The following is an entry in ClinVar:

NM_005068.3(SIM1):c.1089C>T (p.Thr363=)

Genes: SIM1 (SIM bHLH transcription factor 1; minus strand), SIM1-AS1 (SIM1 antisense RNA 1; plus strand). Cytogenetic location: 6q16.3.
Variant type: single nucleotide variant.
Coding change: c.1089C>T on transcript NM_005068.3 (MANE Select); coding-DNA position 1089, C replaced by T.
Protein change: p.Thr363=; no amino-acid change (threonine 363 retained).
Molecular consequence: synonymous variant.
Genome position (GRCh38, 1-based): chr6:100,420,868, G>A on the plus strand (C>T on the coding strand, the complement: SIM1 is on the minus strand). VCF-style: chr6-100420868-G-A. GRCh37 (hg19) VCF-style: chr6-100868744-G-A.
Other names: c.1089C>T, p.Thr363= (NM_001374769.1).
Identifiers: ClinVar variation 3030645 (VCV003030645.2), dbSNP rs772879048, ClinGen allele CA143946042.

ClinVar aggregate classification (germline): Likely benign (0 of 4 stars; one submission).

Conditions:
SIM1-related disorder. Also called: SIM1-related condition; SIM1-related disorders.

Allele frequency attached by ClinVar (database versions not stated): gnomAD 0.00001; TOPMed 0.00003.
gnomAD v4.1: 9 of 1,613,986 alleles (0.00056%); highest among the groups gnomAD compares: African/African-American, 0.0013%; no homozygotes.

Submission:

PreventionGenetics, part of Exact Sciences
Classification: Likely benign for SIM1-related condition. Last evaluated: 2021-12-08. Review status: no assertion criteria provided. Collection method: clinical testing. Allele origin: germline.
Comment: This variant is classified as likely benign based on ACMG/AMP sequence variant interpretation guidelines (Richards et al. 2015 PMID: 25741868, with internal and published modifications).